The following is an entry in ClinVar:

NM_007315.4(STAT1):c.88A>G (p.Ile30Val)

Gene: STAT1 (signal transducer and activator of transcription 1; minus strand). Cytogenetic location: 2q32.2.
Variant type: single nucleotide variant.
Coding change: c.88A>G on transcript NM_007315.4 (MANE Select); coding-DNA position 88, A replaced by G.
Protein change: p.Ile30Val; replaces isoleucine 30 with valine.
Molecular consequence: missense variant.
Genome position (GRCh38, 1-based): chr2:191,009,916, T>C on the plus strand (A>G on the coding strand, the complement: STAT1 is on the minus strand). VCF-style: chr2-191009916-T-C. GRCh37 (hg19) VCF-style: chr2-191874642-T-C.
Other names: c.88A>G, p.Ile30Val (NM_001384891.1, NM_139266.3, NM_001384880.1 and 8 more transcripts); c.94A>G, p.Ile32Val (NM_001384881.1, NM_001384884.1); short protein forms I32V, I30V.
Identifiers: ClinVar variation 2948016 (VCV002948016.3), dbSNP rs2470570384, ClinGen allele CA349928310.
Genomic context (GRCh38, chr2:191,009,916, plus strand): 5'-GTCTAGTGAATTTTCCTTACCAGTCTTGCTTTTCTAACCACTGTGCCAGGTACTGTCTGA[T>C]TTCCATGGGAAAACTGTCATCATAAAGCTGGTGAACCTGCTCCAGGAATTTTGAGTCAAG-3'
Protein context (NP_009330.1, residues 20-40): QLYDDSFPME[Ile30Val]RQYLAQWLEK

ClinVar aggregate classification (germline): Uncertain significance (1 of 4 stars; one submission).

Conditions:
Mendelian susceptibility to mycobacterial diseases due to partial STAT1 deficiency. Also called: IMMUNODEFICIENCY 31A, MYCOBACTERIOSIS, AUTOSOMAL DOMINANT; STAT1 DEFICIENCY, AUTOSOMAL DOMINANT; Immunodeficiency 31a. Identifiers: Orphanet 319595, MedGen C4013950, MONDO:0013956, OMIM 614892.
Immunodeficiency 31B. Also called: STAT1 DEFICIENCY, AUTOSOMAL RECESSIVE; IMMUNODEFICIENCY 31B, MYCOBACTERIAL AND VIRAL INFECTIONS, AUTOSOMAL RECESSIVE. Identifiers: Orphanet 391311, MedGen C3151088, MONDO:0013427, OMIM 613796.
Autoimmune enteropathy and endocrinopathy - susceptibility to chronic infections syndrome. Also called: Immunodeficiency 31C, autosomal dominant; Immunodeficiency 31C. Identifiers: Orphanet 391487, MedGen C3279990, MONDO:0013599, OMIM 614162.

Allele frequency attached by ClinVar (database versions not stated): gnomAD exomes below 0.00001.
gnomAD v4.1: 2 of 1,614,070 alleles (0.00012%); highest among the groups gnomAD compares: Non-Finnish European, 0.00017%; no homozygotes.

Submission:

Labcorp Genetics (formerly Invitae), Labcorp
Classification: Uncertain significance for Mendelian susceptibility to mycobacterial diseases due to partial STAT1 deficiency; Immunodeficiency 31B; Autoimmune enteropathy and endocrinopathy - susceptibility to chronic infections syndrome. Last evaluated: 2023-07-12. Review status: criteria provided, single submitter. Criteria: Invitae Variant Classification Sherloc (09022015). Collection method: clinical testing. Allele origin: germline.
Comment: In summary, the available evidence is currently insufficient to determine the role of this variant in disease. Therefore, it has been classified as a Variant of Uncertain Significance. Algorithms developed to predict the effect of missense changes on protein structure and function output the following: SIFT: "Not Available"; PolyPhen-2: "Benign"; Align-GVGD: "Not Available". The valine amino acid residue is found in multiple mammalian species, which suggests that this missense change does not adversely affect protein function. This variant has not been reported in the literature in individuals affected with STAT1-related conditions. This variant is not present in population databases (gnomAD no frequency). This sequence change replaces isoleucine, which is neutral and non-polar, with valine, which is neutral and non-polar, at codon 30 of the STAT1 protein (p.Ile30Val).